The following is an entry in ClinVar:

ClinVar aggregate classification (germline): Pathogenic (1 of 4 stars; one submission).

Submission:

Labcorp Genetics (formerly Invitae), Labcorp
Classification: Pathogenic. Last evaluated: 2024-02-22. Review status: criteria provided, single submitter. Criteria: Invitae Variant Classification Sherloc (09022015). Collection method: clinical testing. Allele origin: germline.
Comment: This sequence change creates a premature translational stop signal (p.Pro2880Thrfs*47) in the PCNT gene. It is expected to result in an absent or disrupted protein product. Loss-of-function variants in PCNT are known to be pathogenic (PMID: 18174396, 22821869). This variant is not present in population databases (gnomAD no frequency). This variant has not been reported in the literature in individuals affected with PCNT-related conditions. For these reasons, this variant has been classified as Pathogenic.

Literature cited by the submitters: PubMed 18174396; PubMed 22821869.

NM_006031.6(PCNT):c.8638_8639del (p.Pro2880fs)

Gene: PCNT (pericentrin; plus strand). Cytogenetic location: 21q22.3.
Variant type: Deletion.
Coding change: c.8638_8639del on transcript NM_006031.6 (MANE Select); coding-DNA positions 8638 to 8639, 2 bases deleted (CC; older notation c.8638_8639delCC).
Protein change: p.Pro2880fs; shifts the reading frame from proline 2880.
Molecular consequence: frameshift variant. On other transcripts: intron variant (1).
Genome position (GRCh38, 1-based): chr21:46,432,102-46,432,103, CC deleted; deleting any 2 consecutive bases within chr21:46,432,101-46,432,103 gives the same sequence; the c. name uses the placement nearest the transcript's 3' end. VCF-style (leftmost placement, unchanged base first): chr21-46432100-ACC-A. GRCh37 (hg19) VCF-style: chr21-47852014-ACC-A.
Other names: c.8160+124_8160+125del (NM_001315529.2); short protein forms P2880fs.
Identifiers: ClinVar variation 3641956 (VCV003641956.2).